The following is an entry in ClinVar:

ClinVar aggregate classification (germline): Uncertain significance (1 of 4 stars; one submission).

Submission:

Labcorp Genetics (formerly Invitae), Labcorp
Classification: Uncertain significance. Last evaluated: 2025-04-17. Review status: criteria provided, single submitter. Criteria: Invitae Variant Classification Sherloc (09022015). Collection method: clinical testing. Allele origin: germline.
Comment: This sequence change replaces arginine, which is basic and polar, with lysine, which is basic and polar, at codon 530 of the KMT2A protein (p.Arg530Lys). This variant is not present in population databases (gnomAD no frequency). This variant has not been reported in the literature in individuals affected with KMT2A-related conditions. Invitae Evidence Modeling of protein sequence and biophysical properties (such as structural, functional, and spatial information, amino acid conservation, physicochemical variation, residue mobility, and thermodynamic stability) has been performed for this missense variant. However, the output from this modeling did not meet the statistical confidence thresholds required to predict the impact of this variant on KMT2A protein function. In summary, the available evidence is currently insufficient to determine the role of this variant in disease. Therefore, it has been classified as a Variant of Uncertain Significance.

NM_001197104.2(KMT2A):c.1589G>A (p.Arg530Lys)

Gene: KMT2A (lysine methyltransferase 2A; plus strand). Cytogenetic location: 11q23.3.
Variant type: single nucleotide variant.
Coding change: c.1589G>A on transcript NM_001197104.2 (MANE Select); coding-DNA position 1589, G replaced by A.
Protein change: p.Arg530Lys; replaces arginine 530 with lysine.
Molecular consequence: missense variant.
Genome position (GRCh38, 1-based): chr11:118,472,748, G>A. VCF-style: chr11-118472748-G-A. GRCh37 (hg19) VCF-style: chr11-118343463-G-A.
Other names: c.1688G>A, p.Arg563Lys (NM_001412597.1); c.1589G>A, p.Arg530Lys (NM_005933.4); short protein forms R530K, R563K.
Identifiers: ClinVar variation 4747855 (VCV004747855.1).